The following is an entry in ClinVar:

ClinVar aggregate classification (germline): Benign/Likely benign. Review status: criteria provided, multiple submitters, no conflicts (2 of 4 stars). 2 submissions from 2 submitters: Benign (1); Likely benign (1). Last evaluated 2024-12-27.

Conditions:
Hereditary cancer-predisposing syndrome. Also called: Tumor predisposition; Hereditary Cancer Syndrome; Hereditary neoplastic syndrome; Neoplastic Syndromes, Hereditary. Identifiers: Orphanet 140162, MedGen C0027672, MeSH D009386, MONDO:0015356.
Lynch syndrome 5 (LYNCH5). Also called: Hereditary non-polyposis colorectal cancer, type 5; Colorectal cancer, hereditary nonpolyposis, type 5. Identifiers: Orphanet 144, MedGen C1833477, MONDO:0013710, OMIM 614350. Disease mechanism: loss of function.

Submissions (2):

Myriad Genetics, Inc.
Classification: Benign for Lynch syndrome 5. Last evaluated: 2024-12-27. Review status: criteria provided, single submitter. Criteria: Myriad Autosomal Dominant, Autosomal Recessive and X-Linked Classification Criteria (2023). Collection method: clinical testing. Allele origin: unknown.
Comment: This variant is considered benign. This variant is a silent/synonymous amino acid change and it is not expected to impact splicing.

Ambry Genetics
Classification: Likely benign for Hereditary cancer-predisposing syndrome. Last evaluated: 2017-09-19. Review status: criteria provided, single submitter. Criteria: Ambry Variant Classification Scheme 2023. Collection method: clinical testing. Allele origin: germline.

NM_000179.3(MSH6):c.1656T>C (p.His552=)

Gene: MSH6 (mutS homolog 6; plus strand). Cytogenetic location: 2p16.3.
Variant type: single nucleotide variant.
Coding change: c.1656T>C on transcript NM_000179.3 (MANE Select); coding-DNA position 1656, T replaced by C.
Protein change: p.His552=; no amino-acid change (histidine 552 retained).
Molecular consequence: synonymous variant.
Genome position (GRCh38, 1-based): chr2:47,799,639, T>C. VCF-style: chr2-47799639-T-C. GRCh37 (hg19) VCF-style: chr2-48026778-T-C.
Other names: c.1266T>C, p.His422= (NM_001281492.2); c.750T>C, p.His250= (NM_001281493.2, NM_001281494.2).
Identifiers: ClinVar variation 485890 (VCV000485890.6), dbSNP rs745937181, ClinGen allele CA426121470.